The following is an entry in ClinVar:

NM_022773.4(LMF1):c.305C>A (p.Thr102Lys)

Gene: LMF1 (lipase maturation factor 1; minus strand). Cytogenetic location: 16p13.3.
Variant type: single nucleotide variant.
Coding change: c.305C>A on transcript NM_022773.4 (MANE Select); coding-DNA position 305, C replaced by A.
Protein change: p.Thr102Lys; replaces threonine 102 with lysine.
Molecular consequence: missense variant. On other transcripts: 5 prime UTR variant (4), non-coding transcript variant (1).
Genome position (GRCh38, 1-based): chr16:954,555, G>T on the plus strand (C>A on the coding strand, the complement: LMF1 is on the minus strand). VCF-style: chr16-954555-G-T. GRCh37 (hg19) VCF-style: chr16-1004555-G-T.
Other names: c.-499C>A (NM_001352017.2); c.-250C>A (NM_001352018.2); c.-23C>A (NM_001352019.2); c.305C>A, p.Thr102Lys (NM_001352020.1); c.-401C>A (NM_001352021.2); short protein forms T102K.
Identifiers: ClinVar variation 4843093 (VCV004843093.1).

ClinVar aggregate classification (germline): Uncertain significance (1 of 4 stars; one submission).

Conditions:
Cardiovascular phenotype. Identifiers: MedGen CN230736.

Submission:

Ambry Genetics
Classification: Uncertain significance for Cardiovascular phenotype. Last evaluated: 2025-12-30. Review status: criteria provided, single submitter. Criteria: Ambry Variant Classification Scheme 2023. Collection method: clinical testing. Allele origin: germline.
Comment: The p.T102K variant (also known as c.305C>A), located in coding exon 2 of the LMF1 gene, results from a C to A substitution at nucleotide position 305. The threonine at codon 102 is replaced by lysine, an amino acid with similar properties. This amino acid position is conserved. In addition, this alteration is predicted to be tolerated by in silico analysis. Based on the available evidence, the clinical significance of this variant remains unclear.